The following is an entry in ClinVar:

NM_153033.5(KCTD7):c.448G>A (p.Glu150Lys)

Gene: KCTD7 (potassium channel tetramerization domain containing 7; plus strand). Cytogenetic location: 7q11.21.
Variant type: single nucleotide variant.
Coding change: c.448G>A on transcript NM_153033.5 (MANE Select); coding-DNA position 448, G replaced by A.
Protein change: p.Glu150Lys; replaces glutamic acid 150 with lysine.
Molecular consequence: missense variant.
Genome position (GRCh38, 1-based): chr7:66,638,386, G>A. VCF-style: chr7-66638386-G-A. GRCh37 (hg19) VCF-style: chr7-66103373-G-A.
Other names: c.448G>A, p.Glu150Lys (NM_001167961.2); short protein forms E150K.
Identifiers: ClinVar variation 2174410 (VCV002174410.4), dbSNP rs776661654, ClinGen allele CA4278259.

ClinVar aggregate classification (germline): Uncertain significance (1 of 4 stars; one submission).

Conditions:
Progressive myoclonic epilepsy type 3. Also called: EPILEPSY, PROGRESSIVE MYOCLONIC, 3, WITH OR WITHOUT INTRACELLULAR INCLUSIONS; CEROID LIPOFUSCINOSIS, NEURONAL, 14; KCTD7-Related Progressive Myoclonic Epilepsy; EPILEPSY, PROGRESSIVE MYOCLONIC, 3, WITHOUT INTRACELLULAR INCLUSIONS. Identifiers: Orphanet 263516, MedGen C2673257, MONDO:0012721, OMIM 611726.

Allele frequency attached by ClinVar (database versions not stated): ExAC 0.00001.
gnomAD v4.1: 4 of 1,614,236 alleles (0.00025%); highest among the groups gnomAD compares: South Asian, 0.0011%; no homozygotes.

Submission:

Labcorp Genetics (formerly Invitae), Labcorp
Classification: Uncertain significance for Progressive myoclonic epilepsy type 3. Last evaluated: 2022-05-31. Review status: criteria provided, single submitter. Criteria: Invitae Variant Classification Sherloc (09022015). Collection method: clinical testing. Allele origin: germline.
Comment: This variant is present in population databases (rs776661654, gnomAD 0.003%). Algorithms developed to predict the effect of missense changes on protein structure and function (SIFT, PolyPhen-2, Align-GVGD) all suggest that this variant is likely to be disruptive. This variant has not been reported in the literature in individuals affected with KCTD7-related conditions. This sequence change replaces glutamic acid, which is acidic and polar, with lysine, which is basic and polar, at codon 150 of the KCTD7 protein (p.Glu150Lys). In summary, the available evidence is currently insufficient to determine the role of this variant in disease. Therefore, it has been classified as a Variant of Uncertain Significance.